The following is an entry in ClinVar:

ClinVar aggregate classification (germline): Uncertain significance (1 of 4 stars; one submission).

Conditions:
Developmental and epileptic encephalopathy, 12 (DEE12). Identifiers: MedGen C3150988, MONDO:0013389, OMIM 613722.

gnomAD v4.1: 1 of 1,612,590 alleles (0.000062%); highest among the groups gnomAD compares: Non-Finnish European, 0.000085%; no homozygotes.

Submission:

Labcorp Genetics (formerly Invitae), Labcorp
Classification: Uncertain significance for Developmental and epileptic encephalopathy, 12. Last evaluated: 2025-05-11. Review status: criteria provided, single submitter. Criteria: Invitae Variant Classification Sherloc (09022015). Collection method: clinical testing. Allele origin: germline.
Comment: This sequence change replaces leucine, which is neutral and non-polar, with proline, which is neutral and non-polar, at codon 514 of the PNKP protein (p.Leu514Pro). This variant is not present in population databases (gnomAD no frequency). This variant has not been reported in the literature in individuals affected with PNKP-related conditions. ClinVar contains an entry for this variant (Variation ID: 3687780). Invitae Evidence Modeling of protein sequence and biophysical properties (such as structural, functional, and spatial information, amino acid conservation, physicochemical variation, residue mobility, and thermodynamic stability) indicates that this missense variant is expected to disrupt PNKP protein function with a positive predictive value of 80%. In summary, the available evidence is currently insufficient to determine the role of this variant in disease. Therefore, it has been classified as a Variant of Uncertain Significance.

NM_007254.4(PNKP):c.1541T>C (p.Leu514Pro)

Gene: PNKP (polynucleotide kinase 3'-phosphatase; minus strand). Cytogenetic location: 19q13.33.
Variant type: single nucleotide variant.
Coding change: c.1541T>C on transcript NM_007254.4 (MANE Select); coding-DNA position 1541, T replaced by C.
Protein change: p.Leu514Pro; replaces leucine 514 with proline.
Molecular consequence: missense variant.
Genome position (GRCh38, 1-based): chr19:49,861,273, A>G on the plus strand (T>C on the coding strand, the complement: PNKP is on the minus strand). VCF-style: chr19-49861273-A-G. GRCh37 (hg19) VCF-style: chr19-50364530-A-G.
Other names: short protein forms L514P.
Identifiers: ClinVar variation 3687780 (VCV003687780.2).